The following is an entry in ClinVar:

ClinVar aggregate classification (germline): Conflicting classifications of pathogenicity. Review status: criteria provided, conflicting classifications (1 of 4 stars). 2 submissions from 2 submitters: Uncertain significance (1); Likely benign (1). Last evaluated 2025-10-06.

Allele frequency attached by ClinVar (database versions not stated): gnomAD exomes 0.00003 and 0.00010; ExAC 0.00015; TOPMed 0.00035; ESP Exome Variant Server 0.00038; gnomAD 0.00040 and 0.00043; 1000 Genomes Project 0.00060; 1000 Genomes Project 30x 0.00062.
gnomAD v4.1: 103 of 1,614,124 alleles (0.0064%); highest among the groups gnomAD compares: African/African-American, 0.13%; no homozygotes.

Submissions (2):

Labcorp Genetics (formerly Invitae), Labcorp
Classification: Likely benign. Last evaluated: 2025-10-06. Review status: criteria provided, single submitter. Criteria: Invitae Variant Classification Sherloc (09022015). Collection method: clinical testing. Allele origin: germline.

GeneDx
Classification: Uncertain significance. Last evaluated: 2024-02-29. Review status: criteria provided, single submitter. Criteria: GeneDx Variant Classification Process June 2021. Collection method: clinical testing. Allele origin: germline. Affected: yes.
Comment: In silico analysis supports that this missense variant has a deleterious effect on protein structure/function; Has not been previously published as pathogenic or benign to our knowledge

NM_000918.4(P4HB):c.616T>G (p.Phe206Val)

Gene: P4HB (prolyl 4-hydroxylase subunit beta; minus strand). Cytogenetic location: 17q25.3.
Variant type: single nucleotide variant.
Coding change: c.616T>G on transcript NM_000918.4 (MANE Select); coding-DNA position 616, T replaced by G.
Protein change: p.Phe206Val; replaces phenylalanine 206 with valine.
Molecular consequence: missense variant.
Genome position (GRCh38, 1-based): chr17:81,855,150, A>C on the plus strand (T>G on the coding strand, the complement: P4HB is on the minus strand). VCF-style: chr17-81855150-A-C. GRCh37 (hg19) VCF-style: chr17-79813026-A-C.
Other names: c.616T>G (NM_000918.3); short protein forms F206V.
Identifiers: ClinVar variation 1597142 (VCV001597142.10), dbSNP rs143758998, ClinGen allele CA8842907.
Genomic context (GRCh38, chr17:81,855,150, plus strand): 5'-CTGCAGACCAACCCCAGAACTAACCTGGGCAGAGCTGCCTGGGGCCACTCACCTTCTTAA[A>C]GAGGACAACCCCATCTTTGTCGAGCTGGTATTTGGAGAACACGTCACTGTTGGAAGTGAT-3'
Protein context (NP_000909.2, residues 196-216): YQLDKDGVVL[Phe206Val]KKFDEGRNNF